The following is an entry in ClinVar:

ClinVar aggregate classification (germline): Uncertain significance. Review status: criteria provided, single submitter (1 of 4 stars). 2 submissions from 2 submitters: Uncertain significance (1). 1 of the submissions does not count toward it. Last evaluated 2020-09-03.

Conditions:
Carcinoma of colon (CRC). Also called: Colonic carcinoma; Colon carcinoma. Identifiers: MedGen C0699790, MONDO:0002032.
Hereditary cancer-predisposing syndrome. Also called: Hereditary Cancer Syndrome; Hereditary neoplastic syndrome; Tumor predisposition; Neoplastic Syndromes, Hereditary. Identifiers: Orphanet 140162, MedGen C0027672, MeSH D009386, MONDO:0015356.

Submissions (2):

Ambry Genetics
Classification: Uncertain significance for Hereditary cancer-predisposing syndrome. Last evaluated: 2020-09-03. Review status: criteria provided, single submitter. Criteria: Ambry Variant Classification Scheme 2023. Collection method: clinical testing. Allele origin: germline.
Comment: The p.L776P variant (also known as c.2327T>C), located in coding exon 15 of the CDH1 gene, results from a T to C substitution at nucleotide position 2327. The leucine at codon 776 is replaced by proline, an amino acid with similar properties. This amino acid position is highly conserved in available vertebrate species. In addition, this alteration is predicted to be deleterious by in silico analysis. Since supporting evidence is limited at this time, the clinical significance of this alteration remains unclear.

Department of Pathology and Laboratory Medicine, Sinai Health System
Classification: Uncertain significance for Carcinoma of colon. Review status: no assertion criteria provided. Collection method: clinical testing. Allele origin: unknown. Affected: yes. Study: The Canadian Open Genetics Repository (COGR). Not counted in ClinVar's aggregate classification.
Comment: The CDH1 p.Leu776Pro variant was not identified in the literature nor was it identified in the dbSNP, ClinVar, Exome Aggregation Consortium (August 8th 2016), or the Genome Aggregation Database (Feb 27, 2017). The p.Leu776 residue is conserved across mammals and other organisms, and four out of five computational analyses (PolyPhen-2, SIFT, AlignGVGD, BLOSUM, MutationTaster) suggest that the variant may impact the protein; however, this information is not predictive enough to assume pathogenicity. The variant occurs outside of the splicing consensus sequence and in silico or computational prediction software programs (SpliceSiteFinder, MaxEntScan, NNSPLICE, GeneSplicer) do not predict a difference in splicing. In summary, based on the above information the clinical significance of this variant cannot be determined with certainty at this time. This variant is classified as a variant of uncertain significance.

NM_004360.5(CDH1):c.2327T>C (p.Leu776Pro)

Gene: CDH1 (cadherin 1; plus strand). Cytogenetic location: 16q22.1.
Variant type: single nucleotide variant.
Coding change: c.2327T>C on transcript NM_004360.5 (MANE Select); coding-DNA position 2327, T replaced by C.
Protein change: p.Leu776Pro; replaces leucine 776 with proline.
Molecular consequence: missense variant.
Genome position (GRCh38, 1-based): chr16:68,829,685, T>C. VCF-style: chr16-68829685-T-C. GRCh37 (hg19) VCF-style: chr16-68863588-T-C.
Other names: c.2144T>C, p.Leu715Pro (NM_001317184.2); c.779T>C, p.Leu260Pro (NM_001317185.2); c.362T>C, p.Leu121Pro (NM_001317186.2); short protein forms L121P, L260P, L715P, L776P.
Identifiers: ClinVar variation 1049786 (VCV001049786.3), dbSNP rs2152142271, ClinGen allele CA396470908.
Genomic context (GRCh38, chr16:68,829,685, plus strand): 5'-CATTGTACTTCAACCTTTTTTCTCCAAAGGACTTTGACTTGAGCCAGCTGCACAGGGGCC[T>C]GGACGCTCGGCCTGAAGTGACTCGTAACGACGTTGCACCAACCCTCATGAGTGTCCCCCG-3'
Protein context (NP_004351.1, residues 766-786): DFDLSQLHRG[Leu776Pro]DARPEVTRND